The following is an entry in ClinVar:

NM_020461.4(TUBGCP6):c.3889C>A (p.Pro1297Thr)

Gene: TUBGCP6 (tubulin gamma complex component 6; minus strand). Cytogenetic location: 22q13.33.
Variant type: single nucleotide variant.
Coding change: c.3889C>A on transcript NM_020461.4 (MANE Select); coding-DNA position 3889, C replaced by A.
Protein change: p.Pro1297Thr; replaces proline 1297 with threonine.
Molecular consequence: missense variant.
Genome position (GRCh38, 1-based): chr22:50,220,470, G>T on the plus strand (C>A on the coding strand, the complement: TUBGCP6 is on the minus strand). VCF-style: chr22-50220470-G-T. GRCh37 (hg19) VCF-style: chr22-50658899-G-T.
Other names: short protein forms P1297T.
Identifiers: ClinVar variation 1025113 (VCV001025113.4), dbSNP rs909274169, ClinGen allele CA412177899.

ClinVar aggregate classification (germline): Uncertain significance (1 of 4 stars; one submission).

Allele frequency attached by ClinVar (database versions not stated): TOPMed 0.00001.
gnomAD v4.1: 10 of 1,613,004 alleles (0.00062%); highest among the groups gnomAD compares: Admixed American, 0.0017%; no homozygotes.

Submission:

Labcorp Genetics (formerly Invitae), Labcorp
Classification: Uncertain significance. Last evaluated: 2022-09-13. Review status: criteria provided, single submitter. Criteria: Invitae Variant Classification Sherloc (09022015). Collection method: clinical testing. Allele origin: germline.
Comment: This sequence change replaces proline, which is neutral and non-polar, with threonine, which is neutral and polar, at codon 1297 of the TUBGCP6 protein (p.Pro1297Thr). This variant is present in population databases (no rsID available, gnomAD 0.003%). This variant has not been reported in the literature in individuals affected with TUBGCP6-related conditions. ClinVar contains an entry for this variant (Variation ID: 1025113). Algorithms developed to predict the effect of missense changes on protein structure and function are either unavailable or do not agree on the potential impact of this missense change (SIFT: "Tolerated"; PolyPhen-2: "Possibly Damaging"; Align-GVGD: "Class C0"). In summary, the available evidence is currently insufficient to determine the role of this variant in disease. Therefore, it has been classified as a Variant of Uncertain Significance.